The following is an entry in ClinVar:

ClinVar aggregate classification (germline): Conflicting classifications of pathogenicity. Review status: criteria provided, conflicting classifications (1 of 4 stars). 2 submissions from 2 submitters: Uncertain significance (1); Likely benign (1). Last evaluated 2022-12-14.

Conditions:
Cardiovascular phenotype. Identifiers: MedGen CN230736.
Alstrom syndrome (ALMS). Identifiers: Orphanet 64, MedGen C0268425, MONDO:0008763, OMIM 203800.

Allele frequency attached by ClinVar (database versions not stated): gnomAD 0.00001 and 0.00002; gnomAD exomes 0.00001; TOPMed 0.00001.
gnomAD v4.1: 14 of 1,613,844 alleles (0.00087%); highest among the groups gnomAD compares: East Asian, 0.0022%; no homozygotes.

Submissions (2):

Ambry Genetics
Classification: Likely benign for Cardiovascular phenotype. Last evaluated: 2022-12-14. Review status: criteria provided, single submitter. Criteria: Ambry Variant Classification Scheme 2023. Collection method: clinical testing. Allele origin: germline.

Labcorp Genetics (formerly Invitae), Labcorp
Classification: Uncertain significance for Alstrom syndrome. Last evaluated: 2021-07-22. Review status: criteria provided, single submitter. Criteria: Invitae Variant Classification Sherloc (09022015). Collection method: clinical testing. Allele origin: germline.
Comment: This sequence change replaces isoleucine with threonine at codon 507 of the ALMS1 protein (p.Ile507Thr). The isoleucine residue is weakly conserved and there is a moderate physicochemical difference between isoleucine and threonine. This variant is not present in population databases (ExAC no frequency). This variant has not been reported in the literature in individuals affected with ALMS1-related conditions. Algorithms developed to predict the effect of missense changes on protein structure and function output the following: SIFT: "Not Available"; PolyPhen-2: "Not Available"; Align-GVGD: "Not Available". The threonine amino acid residue is found in multiple mammalian species, which suggests that this missense change does not adversely affect protein function. In summary, the available evidence is currently insufficient to determine the role of this variant in disease. Therefore, it has been classified as a Variant of Uncertain Significance.

NM_001378454.1(ALMS1):c.1517T>C (p.Ile506Thr)

Gene: ALMS1 (ALMS1 centrosome and basal body associated protein; plus strand). Cytogenetic location: 2p13.1.
Variant type: single nucleotide variant.
Coding change: c.1517T>C on transcript NM_001378454.1 (MANE Select); coding-DNA position 1517, T replaced by C.
Protein change: p.Ile506Thr; replaces isoleucine 506 with threonine.
Molecular consequence: missense variant.
Genome position (GRCh38, 1-based): chr2:73,448,044, T>C. VCF-style: chr2-73448044-T-C. GRCh37 (hg19) VCF-style: chr2-73675174-T-C.
Other names: c.1520T>C, p.Ile507Thr (NM_015120.4); short protein forms I507T, I506T.
Identifiers: ClinVar variation 1393018 (VCV001393018.4), dbSNP rs976096963, ClinGen allele CA50391001.